The following is an entry in ClinVar:

ClinVar aggregate classification (germline): Uncertain significance. Review status: criteria provided, multiple submitters, no conflicts (2 of 4 stars). 3 submissions from 3 submitters: Uncertain significance (2). 1 of the submissions does not count toward it. Last evaluated 2025-04-07.

Conditions:
Inborn genetic diseases. Identifiers: MedGen C0950123, MeSH D030342.
Neuromuscular disease caused by qualitative or quantitative defects of dysferlin. Also called: Qualitative or quantitative defects of dysferlin; Dysferlinopathy. Identifiers: Orphanet 207073, MedGen C2931687, MONDO:0016145.
Autosomal recessive limb-girdle muscular dystrophy type 2B (LGMDR2). Also called: Limb-girdle muscular dystrophy, type 2B; MUSCULAR DYSTROPHY, LIMB-GIRDLE, AUTOSOMAL RECESSIVE 2; MUSCULAR DYSTROPHY, LIMB-GIRDLE, TYPE 3; Limb-Girdle Muscular Dystrophy Type 2B (LGMD2B). Identifiers: Orphanet 268, MedGen C1850889, MONDO:0009676, OMIM 253601.

Submissions (3):

Labcorp Genetics (formerly Invitae), Labcorp
Classification: Uncertain significance for Neuromuscular disease caused by qualitative or quantitative defects of dysferlin. Last evaluated: 2025-04-07. Review status: criteria provided, single submitter. Criteria: Invitae Variant Classification Sherloc (09022015). Collection method: clinical testing. Allele origin: germline.
Comment: This sequence change replaces aspartic acid, which is acidic and polar, with tyrosine, which is neutral and polar, at codon 737 of the DYSF protein (p.Asp737Tyr). This variant is not present in population databases (gnomAD no frequency). This variant has not been reported in the literature in individuals affected with DYSF-related conditions. ClinVar contains an entry for this variant (Variation ID: 961770). Invitae Evidence Modeling of protein sequence and biophysical properties (such as structural, functional, and spatial information, amino acid conservation, physicochemical variation, residue mobility, and thermodynamic stability) indicates that this missense variant is expected to disrupt DYSF protein function with a positive predictive value of 95%. In summary, the available evidence is currently insufficient to determine the role of this variant in disease. Therefore, it has been classified as a Variant of Uncertain Significance.

Ambry Genetics
Classification: Uncertain significance for Inborn genetic diseases. Last evaluated: 2023-11-27. Review status: criteria provided, single submitter. Criteria: Ambry Variant Classification Scheme 2023. Collection method: clinical testing. Allele origin: germline.

Natera, Inc.
Classification: Uncertain significance for Limb-girdle muscular dystrophy type 2B. Last evaluated: 2021-02-17. Review status: no assertion criteria provided. Collection method: clinical testing. Allele origin: germline. Not counted in ClinVar's aggregate classification.

NM_001130987.2(DYSF):c.2263G>T (p.Asp755Tyr)

Gene: DYSF (dysferlin; plus strand). Cytogenetic location: 2p13.2.
Variant type: single nucleotide variant.
Coding change: c.2263G>T on transcript NM_001130987.2 (MANE Select); coding-DNA position 2263, G replaced by T.
Protein change: p.Asp755Tyr; replaces aspartic acid 755 with tyrosine.
Molecular consequence: missense variant.
Genome position (GRCh38, 1-based): chr2:71,561,798, G>T. VCF-style: chr2-71561798-G-T. GRCh37 (hg19) VCF-style: chr2-71788928-G-T.
Other names: c.2212G>T, p.Asp738Tyr (NM_001130455.2, NM_001130983.2); c.2167G>T, p.Asp723Tyr (NM_001130976.2, NM_001130977.2); c.2209G>T, p.Asp737Tyr (NM_001130978.2, NM_003494.4); c.2302G>T, p.Asp768Tyr (NM_001130979.2); c.2260G>T, p.Asp754Tyr (NM_001130980.2, NM_001130981.2); c.2305G>T, p.Asp769Tyr (NM_001130982.2); c.2170G>T, p.Asp724Tyr (NM_001130984.2, NM_001130986.2); c.2263G>T, p.Asp755Tyr (NM_001130985.2); short protein forms D768Y, D724Y, D754Y, D723Y, D737Y, D738Y, D755Y, D769Y.
Identifiers: ClinVar variation 961770 (VCV000961770.10), dbSNP rs376652699, ClinGen allele CA49740813.